The following is an entry in ClinVar:

NM_001848.3(COL6A1):c.842G>A (p.Gly281Glu)

Gene: COL6A1 (collagen type VI alpha 1 chain; plus strand). Cytogenetic location: 21q22.3.
Variant type: single nucleotide variant.
Coding change: c.842G>A on transcript NM_001848.3 (MANE Select); coding-DNA position 842, G replaced by A.
Protein change: p.Gly281Glu; replaces glycine 281 with glutamic acid.
Molecular consequence: missense variant.
Genome position (GRCh38, 1-based): chr21:45,989,121, G>A. VCF-style: chr21-45989121-G-A. GRCh37 (hg19) VCF-style: chr21-47409035-G-A.
Other names: short protein forms G281E.
Identifiers: ClinVar variation 280099 (VCV000280099.10), dbSNP rs886041383, ClinGen allele CA10603503.

ClinVar aggregate classification (germline): Pathogenic/Likely pathogenic. Review status: criteria provided, multiple submitters, no conflicts (2 of 4 stars). 3 submissions from 3 submitters: Pathogenic (2); Likely pathogenic (1). Last evaluated 2024-06-17.

Conditions:
Bethlem myopathy 1A. Also called: Bethlem myopathy 1; MYOPATHY, BENIGN CONGENITAL, WITH CONTRACTURES; Bethlem Muscular Dystrophy. Identifiers: Orphanet 610, MedGen CN029274, MONDO:0024530, OMIM 158810.
Ullrich congenital muscular dystrophy 1A. Also called: Ullrich congenital muscular dystrophy 1; Intermediate COL6-RD. Identifiers: Orphanet 75840, MedGen C0410179, MONDO:0009681, OMIM 254090.

Submissions (3):

GeneDx
Classification: Pathogenic. Last evaluated: 2024-06-17. Review status: criteria provided, single submitter. Criteria: GeneDx Variant Classification Process June 2021. Collection method: clinical testing. Allele origin: germline. Affected: yes.
Comment: Replaces the glycine in the canonical Gly-X-Y repeat of the triple helical domain and is expected to disrupt normal protein folding and function, which is an established mechanism of disease (HGMD); Not observed at significant frequency in large population cohorts (gnomAD); In silico analysis supports that this missense variant has a deleterious effect on protein structure/function; This variant is associated with the following publications: (PMID: 24038877, 28403181, 16935502, 27159402)

Labcorp Genetics (formerly Invitae), Labcorp
Classification: Pathogenic for Bethlem myopathy 1A. Last evaluated: 2024-04-12. Review status: criteria provided, single submitter. Criteria: Invitae Variant Classification Sherloc (09022015). Collection method: clinical testing. Allele origin: germline.
Comment: This sequence change replaces glycine, which is neutral and non-polar, with glutamic acid, which is acidic and polar, at codon 281 of the COL6A1 protein (p.Gly281Glu). This variant is not present in population databases (gnomAD no frequency). This missense change has been observed in individual(s) with COL6A1-related muscular dystrophy (PMID: 24038877). In at least one individual the variant was observed to be de novo. ClinVar contains an entry for this variant (Variation ID: 280099). Advanced modeling of protein sequence and biophysical properties (such as structural, functional, and spatial information, amino acid conservation, physicochemical variation, residue mobility, and thermodynamic stability) performed at Invitae indicates that this missense variant is expected to disrupt COL6A1 protein function with a positive predictive value of 80%. This variant disrupts the triple helix domain of COL6A1. Glycine residues within the Gly-Xaa-Yaa repeats of the triple helix domain are required for the structure and stability of fibrillar collagens (PMID: 7695699, 8218237, 19344236). In COL6A1, variants at these glycine residues are significantly enriched in individuals with autosomal dominant disease (PMID: 15689448, 24038877) compared to the general population (ExAC). For these reasons, this variant has been classified as Pathogenic.

Fulgent Genetics
Classification: Likely pathogenic for Bethlem myopathy 1A; Ullrich congenital muscular dystrophy 1A. Last evaluated: 2024-01-16. Review status: criteria provided, single submitter. Criteria: ACMG Guidelines, 2015. Collection method: clinical testing. Allele origin: germline.

Literature cited by the submitters: PubMed 24038877 (cited by Labcorp Genetics (formerly Invitae), Labcorp); PubMed 7695699 (cited by Labcorp Genetics (formerly Invitae), Labcorp); PubMed 8218237 (cited by Labcorp Genetics (formerly Invitae), Labcorp); PubMed 19344236 (cited by Labcorp Genetics (formerly Invitae), Labcorp); PubMed 15689448 (cited by Labcorp Genetics (formerly Invitae), Labcorp).